The following is an entry in ClinVar:

ClinVar aggregate classification (germline): Uncertain significance (1 of 4 stars; one submission).

Allele frequency attached by ClinVar (database versions not stated): ExAC 0.00004; ESP Exome Variant Server 0.00008; 1000 Genomes Project 0.00020; 1000 Genomes Project 30x 0.00031.
gnomAD v4.1: 22 of 1,614,242 alleles (0.0014%); highest among the groups gnomAD compares: African/African-American, 0.011%; no homozygotes.

Submission:

Labcorp Genetics (formerly Invitae), Labcorp
Classification: Uncertain significance. Last evaluated: 2022-08-09. Review status: criteria provided, single submitter. Criteria: Invitae Variant Classification Sherloc (09022015). Collection method: clinical testing. Allele origin: germline.
Comment: This variant has not been reported in the literature in individuals affected with FAT2-related conditions. In summary, the available evidence is currently insufficient to determine the role of this variant in disease. Therefore, it has been classified as a Variant of Uncertain Significance. Algorithms developed to predict the effect of missense changes on protein structure and function output the following: SIFT: "Tolerated"; PolyPhen-2: "Benign"; Align-GVGD: "Class C0". The glutamine amino acid residue is found in multiple mammalian species, which suggests that this missense change does not adversely affect protein function. This variant is present in population databases (rs368657216, gnomAD 0.03%). This sequence change replaces arginine, which is basic and polar, with glutamine, which is neutral and polar, at codon 1341 of the FAT2 protein (p.Arg1341Gln).

NM_001447.3(FAT2):c.4022G>A (p.Arg1341Gln)

Genes: FAT2 (FAT atypical cadherin 2; minus strand), SLC36A1 (solute carrier family 36 member 1; plus strand). Cytogenetic location: 5q33.1.
Variant type: single nucleotide variant.
Coding change: c.4022G>A on transcript NM_001447.3 (MANE Select); coding-DNA position 4022, G replaced by A.
Protein change: p.Arg1341Gln; replaces arginine 1341 with glutamine.
Molecular consequence: missense variant.
Genome position (GRCh38, 1-based): chr5:151,553,311, C>T on the plus strand (G>A on the coding strand, the complement: FAT2 is on the minus strand). VCF-style: chr5-151553311-C-T. GRCh37 (hg19) VCF-style: chr5-150932872-C-T.
Other names: short protein forms R1341Q.
Identifiers: ClinVar variation 2419379 (VCV002419379.6), dbSNP rs368657216, ClinGen allele CA3521668.
Genomic context (GRCh38, chr5:151,553,311, plus strand): 5'-GTCTCCATGACCGTAAAGCTGTAGTAGGTCTCATCAAAGGCCAGAGGGATGGAGGACGGC[C>T]GGGGCCAAGGGATCCACTCAATGTGTAGCCGGACACTGGCTGAGAGTGGTGGCTGCCCAC-3'
Protein context (NP_001438.1, residues 1331-1351): RLHIEWIPWP[Arg1341Gln]PSSIPLAFDE